The following is an entry in ClinVar:

NM_001164760.2(PRKAR1B):c.254C>G (p.Thr85Ser)

Gene: PRKAR1B (protein kinase cAMP-dependent type I regulatory subunit beta; minus strand). Cytogenetic location: 7p22.3.
Variant type: single nucleotide variant.
Coding change: c.254C>G on transcript NM_001164760.2 (MANE Select); coding-DNA position 254, C replaced by G.
Protein change: p.Thr85Ser; replaces threonine 85 with serine.
Molecular consequence: missense variant.
Genome position (GRCh38, 1-based): chr7:680,650, G>C on the plus strand (C>G on the coding strand, the complement: PRKAR1B is on the minus strand). VCF-style: chr7-680650-G-C. GRCh37 (hg19) VCF-style: chr7-720287-G-C.
Other names: c.254C>G (NM_001164761.1); c.254C>G, p.Thr85Ser (NM_001164758.2, NM_001164759.1, NM_001164761.2 and 2 more transcripts); short protein forms T85S.
Identifiers: ClinVar variation 425405 (VCV000425405.45), dbSNP rs770020244, ClinGen allele CA4110228.
Genomic context (GRCh38, chr7:680,650, plus strand): 5'-TACACCTCGGCACTCACGCCTCCTCGCCGGCGGCGGGCCTTCACCACAGGGTTCGGGGGG[G>C]TGGGCGACACCTCCTCATCATGGGAGTCCGACTGTGAGTTTGACTTTTGCCGCGCCAAAA-3'
Protein context (NP_001158232.1, residues 75-95): SDSHDEEVSP[Thr85Ser]PPNPVVKARR

ClinVar aggregate classification (germline): Uncertain significance. Review status: criteria provided, multiple submitters, no conflicts (2 of 4 stars). 2 submissions from 2 submitters: Uncertain significance (2). Last evaluated 2026-01-01.

Allele frequency attached by ClinVar (database versions not stated): ExAC 0.00002; TOPMed 0.00002.
gnomAD v4.1: 52 of 1,613,220 alleles (0.0032%); highest among the groups gnomAD compares: Non-Finnish European, 0.0042%; no homozygotes.

Submissions (2):

CeGaT Center for Human Genetics Tuebingen
Classification: Uncertain significance. Last evaluated: 2026-01-01. Review status: criteria provided, single submitter. Criteria: CeGaT Center For Human Genetics Tuebingen Variant Classification Criteria Version 2. Collection method: clinical testing. Allele origin: germline. Affected: yes. Observed: 2 variant alleles.
Comment: PRKAR1B: PM2

Ambry Genetics
Classification: Uncertain significance. Last evaluated: 2024-02-28. Review status: criteria provided, single submitter. Criteria: Ambry Variant Classification Scheme 2023. Collection method: clinical testing. Allele origin: germline.